The following is an entry in ClinVar:

ClinVar aggregate classification (germline): Uncertain significance. Review status: criteria provided, single submitter (1 of 4 stars). 2 submissions from 2 submitters: Uncertain significance (1). 1 of the submissions does not count toward it. Last evaluated 2021-08-13.

Conditions:
TTC21B-related disorder. Also called: TTC21B-related disorders; TTC21B-related condition.
Jeune thoracic dystrophy. Also called: Jeune syndrome; Infantile thoracic dystrophy; Thoracic pelvic phalangeal dystrophy; Jeune's syndrome; Chondroectodermal dysplasia-like syndrome; Short-rib thoracic dysplasia. Identifiers: Orphanet 474, MedGen C0265275, MONDO:0018770.
Nephronophthisis. Also called: Juvenile Nephronophthisis. Identifiers: Orphanet 655, MedGen C0687120, MONDO:0019005, HP:0000090.

Allele frequency attached by ClinVar (database versions not stated): gnomAD exomes below 0.00001; gnomAD 0.00001.
gnomAD v4.1: 5 of 1,613,814 alleles (0.00031%); highest among the groups gnomAD compares: Non-Finnish European, 0.00042%; no homozygotes.

Submissions (2):

Labcorp Genetics (formerly Invitae), Labcorp
Classification: Uncertain significance for Jeune thoracic dystrophy; Nephronophthisis. Last evaluated: 2021-08-13. Review status: criteria provided, single submitter. Criteria: Invitae Variant Classification Sherloc (09022015). Collection method: clinical testing. Allele origin: germline.

PreventionGenetics, part of Exact Sciences
Classification: Likely benign for TTC21B-related condition. Last evaluated: 2024-08-23. Review status: no assertion criteria provided. Collection method: clinical testing. Allele origin: germline. Not counted in ClinVar's aggregate classification.
Comment: This variant is classified as likely benign based on ACMG/AMP sequence variant interpretation guidelines (Richards et al. 2015 PMID: 25741868, with internal and published modifications).

NM_024753.5(TTC21B):c.3423A>G (p.Gln1141=)

Gene: TTC21B (tetratricopeptide repeat domain 21B; minus strand). Cytogenetic location: 2q24.3.
Variant type: single nucleotide variant.
Coding change: c.3423A>G on transcript NM_024753.5 (MANE Select); coding-DNA position 3423, A replaced by G.
Protein change: p.Gln1141=; no amino-acid change (glutamine 1141 retained).
Molecular consequence: synonymous variant.
Genome position (GRCh38, 1-based): chr2:165,888,315, T>C on the plus strand (A>G on the coding strand, the complement: TTC21B is on the minus strand). VCF-style: chr2-165888315-T-C. GRCh37 (hg19) VCF-style: chr2-166744825-T-C.
Identifiers: ClinVar variation 966688 (VCV000966688.6), dbSNP rs1176724856, ClinGen allele CA429893134.